The following is an entry in ClinVar:

ClinVar aggregate classification (germline): Uncertain significance (1 of 4 stars; one submission).

Conditions:
Neuropathy, hereditary sensory, type 2C. Also called: Hereditary sensory and autonomic neuropathy type IIC; KIF1A-Related HSAN2 (HSAN2C). Identifiers: Orphanet 970, MedGen C3280168, MONDO:0013634, OMIM 614213.

gnomAD v4.1: 5 of 1,550,534 alleles (0.00032%); highest among the groups gnomAD compares: African/African-American, 0.0014%; no homozygotes.

Submission:

MGZ Medical Genetics Center
Classification: Uncertain significance for Neuropathy, hereditary sensory, type 2C. Last evaluated: 2021-09-29. Review status: criteria provided, single submitter. Criteria: ACMG Guidelines, 2015. Collection method: clinical testing. Allele origin: germline. Affected: yes. Observed: 1 variant allele.
Comment: ACMG criteria applied: PM2_SUP, PP2

NM_001244008.2(KIF1A):c.2834C>A (p.Pro945His)

Gene: KIF1A (kinesin family member 1A; minus strand). Cytogenetic location: 2q37.3.
Variant type: single nucleotide variant.
Coding change: c.2834C>A on transcript NM_001244008.2 (MANE Select); coding-DNA position 2834, C replaced by A.
Protein change: p.Pro945His; replaces proline 945 with histidine.
Molecular consequence: missense variant. On other transcripts: intron variant (18).
Genome position (GRCh38, 1-based): chr2:240,757,343, G>T on the plus strand (C>A on the coding strand, the complement: KIF1A is on the minus strand). VCF-style: chr2-240757343-G-T. GRCh37 (hg19) VCF-style: chr2-241696760-G-T.
Other names: c.2909C>A, p.Pro970His (NM_001379631.1); c.2783C>A, p.Pro928His (NM_001379632.1); c.2807C>A, p.Pro936His (NM_001379633.1, NM_001379642.1, NM_001379645.1); c.2555+1017C>A (NM_001379653.1, NM_001379650.1, NM_001379640.1 and 6 more transcripts); c.2657+1017C>A (NM_001379635.1, NM_001330290.2, NM_001379646.1 and 1 more transcripts); c.2630+1017C>A (NM_001379637.1, NM_001379648.1); c.2582+1017C>A (NM_001320705.2, NM_001379638.1, NM_001330289.2); short protein forms P928H, P936H, P945H, P970H.
Identifiers: ClinVar variation 1709982 (VCV001709982.2), dbSNP rs756992364, ClinGen allele CA68169536.
Genomic context (GRCh38, chr2:240,757,343, plus strand): 5'-GGTCCTCCCCAGCATGCTCTCCTCGACCTCACCAACCTTCCTACTAAACTGAACAGGGGG[G>T]GCCGGTCGTAAAACGGGTCCCGGCCGTCGCACAGCGCGTGCTCCGGAAAGACGTCGTCCT-3'
Protein context (NP_001230937.1, residues 935-955): CDGRDPFYDR[Pro945His]PLFSLVGRAF